The following is an entry in ClinVar:

NM_001257096.2(PAX1):c.323T>A (p.Val108Glu)

Gene: PAX1 (paired box 1; plus strand). Cytogenetic location: 20p11.22.
Variant type: single nucleotide variant.
Coding change: c.323T>A on transcript NM_001257096.2 (MANE Select); coding-DNA position 323, T replaced by A.
Protein change: p.Val108Glu; replaces valine 108 with glutamic acid.
Molecular consequence: missense variant.
Genome position (GRCh38, 1-based): chr20:21,706,474, T>A. VCF-style: chr20-21706474-T-A. GRCh37 (hg19) VCF-style: chr20-21687112-T-A.
Other names: c.323T>A, p.Val108Glu (NM_006192.5); short protein forms V108E.
Identifiers: ClinVar variation 2184644 (VCV002184644.1), dbSNP rs2514800928, ClinGen allele CA408497731.

ClinVar aggregate classification (germline): Uncertain significance (1 of 4 stars; one submission).

Allele frequency attached by ClinVar (database versions not stated): gnomAD exomes 0.00001.
gnomAD v4.1: 15 of 1,611,088 alleles (0.00093%); highest among the groups gnomAD compares: Non-Finnish European, 0.0013%; no homozygotes.

Submission:

Labcorp Genetics (formerly Invitae), Labcorp
Classification: Uncertain significance. Last evaluated: 2022-07-21. Review status: criteria provided, single submitter. Criteria: Invitae Variant Classification Sherloc (09022015). Collection method: clinical testing. Allele origin: germline.
Comment: This sequence change replaces valine, which is neutral and non-polar, with glutamic acid, which is acidic and polar, at codon 108 of the PAX1 protein (p.Val108Glu). This variant is not present in population databases (gnomAD no frequency). This variant has not been reported in the literature in individuals affected with PAX1-related conditions. Algorithms developed to predict the effect of missense changes on protein structure and function (SIFT, PolyPhen-2, Align-GVGD) all suggest that this variant is likely to be disruptive. In summary, the available evidence is currently insufficient to determine the role of this variant in disease. Therefore, it has been classified as a Variant of Uncertain Significance.